The following is an entry in ClinVar:

ClinVar aggregate classification (germline): Uncertain significance. Review status: criteria provided, multiple submitters, no conflicts (2 of 4 stars). 2 submissions from 2 submitters: Uncertain significance (2). Last evaluated 2026-01-26.

Conditions:
Inborn genetic diseases. Identifiers: MedGen C0950123, MeSH D030342.
Brachyolmia-amelogenesis imperfecta syndrome. Also called: PLATYSPONDYLY WITH AMELOGENESIS IMPERFECTA; Tooth agenesis, selective, 6; Dental anomalies and short stature. Identifiers: Orphanet 2899, MedGen C1832594, MONDO:0011018, OMIM 601216. Disease mechanism: loss of function.

Allele frequency attached by ClinVar (database versions not stated): gnomAD 0.00001; TOPMed 0.00003; ESP Exome Variant Server 0.00016.
gnomAD v4.1: 128 of 1,561,512 alleles (0.0082%); highest among the groups gnomAD compares: Admixed American, 0.015%; no homozygotes.

Submissions (2):

Labcorp Genetics (formerly Invitae), Labcorp
Classification: Uncertain significance for Brachyolmia-amelogenesis imperfecta syndrome. Last evaluated: 2026-01-26. Review status: criteria provided, single submitter. Criteria: Invitae Variant Classification Sherloc (09022015). Collection method: clinical testing. Allele origin: germline.
Comment: This sequence change replaces glycine, which is neutral and non-polar, with aspartic acid, which is acidic and polar, at codon 54 of the LTBP3 protein (p.Gly54Asp). This variant is present in population databases (rs375834889, gnomAD 0.02%). This variant has not been reported in the literature in individuals affected with LTBP3-related conditions. ClinVar contains an entry for this variant (Variation ID: 2062361). Experimental studies and prediction algorithms are not available or were not evaluated, and the functional significance of this variant is currently unknown. In summary, the available evidence is currently insufficient to determine the role of this variant in disease. Therefore, it has been classified as a Variant of Uncertain Significance.

Ambry Genetics
Classification: Uncertain significance for Inborn genetic diseases. Last evaluated: 2025-10-23. Review status: criteria provided, single submitter. Criteria: Ambry Variant Classification Scheme 2023. Collection method: clinical testing. Allele origin: germline.

NM_001130144.3(LTBP3):c.161G>A (p.Gly54Asp)

Gene: LTBP3 (latent transforming growth factor beta binding protein 3; minus strand). Cytogenetic location: 11q13.1.
Variant type: single nucleotide variant.
Coding change: c.161G>A on transcript NM_001130144.3 (MANE Select); coding-DNA position 161, G replaced by A.
Protein change: p.Gly54Asp; replaces glycine 54 with aspartic acid.
Molecular consequence: missense variant. On other transcripts: 5 prime UTR variant (1).
Genome position (GRCh38, 1-based): chr11:65,557,799, C>T on the plus strand (G>A on the coding strand, the complement: LTBP3 is on the minus strand). VCF-style: chr11-65557799-C-T. GRCh37 (hg19) VCF-style: chr11-65325270-C-T.
Other names: c.161G>A (NM_001130144.2); c.-187G>A (NM_001164266.1); c.161G>A, p.Gly54Asp (NM_021070.4); short protein forms G54D.
Identifiers: ClinVar variation 2062361 (VCV002062361.5), dbSNP rs375834889, ClinGen allele CA6101283.